The following is an entry in ClinVar:

NM_001953.5(TYMP):c.797T>C (p.Val266Ala)

Gene: TYMP (thymidine phosphorylase; minus strand). Cytogenetic location: 22q13.33.
Variant type: single nucleotide variant.
Coding change: c.797T>C on transcript NM_001953.5 (MANE Select); coding-DNA position 797, T replaced by C.
Protein change: p.Val266Ala; replaces valine 266 with alanine.
Molecular consequence: missense variant.
Genome position (GRCh38, 1-based): chr22:50,526,707, A>G on the plus strand (T>C on the coding strand, the complement: TYMP is on the minus strand). VCF-style: chr22-50526707-A-G. GRCh37 (hg19) VCF-style: chr22-50965136-A-G.
Other names: c.797T>C, p.Val266Ala (NM_001113755.3, NM_001113756.3, NM_001257988.1 and 1 more transcripts); short protein forms V266A.
Identifiers: ClinVar variation 4705508 (VCV004705508.1).

ClinVar aggregate classification (germline): Uncertain significance (1 of 4 stars; one submission).

Submission:

Labcorp Genetics (formerly Invitae), Labcorp
Classification: Uncertain significance. Last evaluated: 2025-10-21. Review status: criteria provided, single submitter. Criteria: Invitae Variant Classification Sherloc (09022015). Collection method: clinical testing. Allele origin: germline.
Comment: This sequence change replaces valine, which is neutral and non-polar, with alanine, which is neutral and non-polar, at codon 266 of the TYMP protein (p.Val266Ala). This variant is not present in population databases (gnomAD no frequency). This variant has not been reported in the literature in individuals affected with TYMP-related conditions. Invitae Evidence Modeling of protein sequence and biophysical properties (such as structural, functional, and spatial information, amino acid conservation, physicochemical variation, residue mobility, and thermodynamic stability) indicates that this missense variant is not expected to disrupt TYMP protein function with a negative predictive value of 95%. In summary, the available evidence is currently insufficient to determine the role of this variant in disease. Therefore, it has been classified as a Variant of Uncertain Significance.